The following is an entry in ClinVar:

ClinVar aggregate classification (germline): Uncertain significance (1 of 4 stars; one submission).

Conditions:
LMBR1-related disorder. Also called: LMBR1-related condition.

Submission:

PreventionGenetics, part of Exact Sciences
Classification: Uncertain significance for LMBR1-related condition. Last evaluated: 2025-08-01. Review status: criteria provided, single submitter. Criteria: ACMG Guidelines, 2015. Collection method: clinical testing. Allele origin: germline.
Comment: The LMBR1 c.423+5357A>C variant is predicted to interfere with splicing. To our knowledge, this variant has not been reported in the literature or in a large population database (gnomAD), indicating this variant is rare. Of note, variants within intron 5 of LMBR1 that impact the long-range regulatory element for SSH known as the zone of polarizing activity regulatory sequence (ZRS) (OMIM#620738: ~chr7:156,583,402-156,585,773, GRCh37/hg19) have been documented in patients with polydactyly and digit anomalies (Dai et al. 2013. PubMed ID:23793141; Xiang et al. 2017. PubMed ID: 28127823; Potuijt et al. 2020. PubMed ID: 32179704; Xu et al. 2020. PubMed ID: 31395945). At this time, the clinical significance of this variant is uncertain due to the absence of conclusive functional and genetic evidence.

NM_022458.4(LMBR1):c.423+5357A>C

Genes: LMBR1 (limb development membrane protein 1; minus strand), ZRS (ZPA regulatory sequence; plus strand). Cytogenetic location: 7q36.3.
Variant type: single nucleotide variant.
Coding change: c.423+5357A>C on transcript NM_022458.4 (MANE Select); 5357 bases into the intron after coding-DNA position 423, A replaced by C.
Molecular consequence: intron variant.
Genome position (GRCh38, 1-based): chr7:156,791,032, T>G on the plus strand (A>C on the coding strand, the complement: LMBR1 is on the minus strand). VCF-style: chr7-156791032-T-G. GRCh37 (hg19) VCF-style: chr7-156583726-T-G.
Other names: c.360+5357A>C (NM_001363412.2); c.144+5357A>C (NM_001350954.2); c.423+5357A>C (NM_001363410.2, NM_001363409.2, NM_001350953.2); c.-112+5357A>C (NM_001350958.2, NM_001350956.2, NM_001350955.2 and 1 more transcripts); c.54+5357A>C (NM_001350957.2, NM_001363411.2).
Identifiers: ClinVar variation 4999013 (VCV004999013.1).